The following continues an entry in ClinVar:

NM_001256071.3(RNF213):c.14429G>A (p.Arg4810Lys)

ClinVar aggregate classification (germline): Conflicting classifications of pathogenicity. Pathogenic (12); Likely pathogenic (2); Uncertain significance (2).

Submissions 8 to 18 of 18:

New York Genome Center
Classification: Likely pathogenic for Moyamoya disease 2. Last evaluated: 2024-10-17. Review status: criteria provided, single submitter. Criteria: NYGC Assertion Criteria 2020. Collection method: clinical testing. Allele origin: inherited. Observed: 2 variant alleles, 2 heterozygotes. Clinical features observed: Congenital diaphragmatic hernia (HP:0000776), Aplasia of the right hemidiaphragm (HP:0032592).
Comment: The c.14429G>A p.(Arg4810Lys) (also referred as c.14576G>A or p.Arg4859Lys) variant in RNF213 has previously been reported as a founder variant associated with increased the risk of Moyamoya disease (MMD) in East Asian population. The variant has been reported in numerous individuals with MMD in both the heterozygous and homozygous state, segregating with disease in several affected family members [PMID: 21048783, 21799892, 23850618, 25278557, 28063898, 26806063, 30947170, 31290353, 33175469, 35876407, 32073714] and also found in control samples [21799892, 21048783, 26530418]. Homozygosity of c.14429G>A, p.(Arg4810Lys) is associated with early onset of MMD disease with a high penetrance as compared to low penetrance in heterozygous individuals, suggestive of a gene-dosage effect [PMID: 34704371, 25278557]. This variant has been deposited in ClinVar [ClinVar ID: 39700] by multiple laboratories. The c.14429G>A variant is observed in 123 alleles (~0.02% minor allele frequency with 1 homozygote) in population databases (gnomAD v2.1.1 and v3.1.2, TOPMed Freeze 8, All of Us) including in 61 alleles in East Asian subpopulation in gnomAD v2.1.1 and v3.1.2 databases (0.27% minor allele frequency with 1 homozygote). The c.14429G>A variant in RNF213 is located in exon 60 of this 68-exon gene and predicted to replace a moderately conserved arginine amino acid with lysine at position 4810 in the E3 core at the C-terminal region of encoded protein [PMID: 22377813]. In vitro/vivo functional studies are conflicting or provide insufficient evidence to determine the effect of this variant [PMID: 21799892, 26126547, 26315378]. In silico predictions are not in favor of damaging effect for p.(Arg4810Lys) [CADD v1.6 = 16.01, REVEL = 0.071)]. Based on available evidence this inherited c.14429G>A p.(Arg4810Lys) variant identified in RNF213 is classified as Likely Pathogenic.

Blueprint Genetics
Classification: Pathogenic for RNF213-related disorders. Last evaluated: 2024-10-08. Review status: criteria provided, single submitter. Criteria: ACMG Guidelines, 2015. Collection method: clinical testing. Allele origin: germline. Affected: yes. Observed: 5 variant alleles.

Ambry Genetics
Classification: Pathogenic for Inborn genetic diseases. Last evaluated: 2024-09-30. Review status: criteria provided, single submitter. Criteria: Ambry Variant Classification Scheme 2023. Collection method: clinical testing. Allele origin: germline.
Comment: The c.14576G>A (p.R4859K) alteration is located in exon 61 (coding exon 60) of the RNF213 gene. This alteration results from a G to A substitution at nucleotide position 14576, causing the arginine (R) at amino acid position 4859 to be replaced by a lysine (K). Based on data from gnomAD, the A allele has an overall frequency of 0.024% (68/282860) total alleles studied. The highest observed frequency was 0.266% (53/19954) of East Asian alleles. This variant (also reported as p.R4810K in the literature) has been identified in the homozygous state and/or in conjunction with other variants in this same gene in individuals with features consistent with RNF213-related Moyamoya disease and segregated with disease in at least one family (Kamada, 2011; Liu, 2011). This is a commonly reported RNF213 founder variant in the East Asian population (Shoemaker, 2015; Huang, 2016). This amino acid position is poorly conserved in available vertebrate species. In multiple assays testing RNF213 function, this variant showed functionally indeterminant results. However, another assay suggests this variant alters angiogenesis under certain conditions; additional evidence is needed to confirm these findings (Liu 2011; Kobayashi 2015). This alteration is predicted to be tolerated by in silico analysis. Based on the available evidence, this alteration is classified as pathogenic.

GeneDx
Classification: Pathogenic. Last evaluated: 2024-07-18. Review status: criteria provided, single submitter. Criteria: GeneDx Variant Classification Process June 2021. Collection method: clinical testing. Allele origin: germline. Affected: yes.
Comment: Functional studies indicate that cells overexpressing R4810K have mitotic abnormalities and decreased angiogenesis, and a transgenic murine model showed that the R4810K variant inhibits angiogenesis in mice (PMID: 23994138, 23850618, 26126547); Other functional studies have shown that R4810K may not affect transcription levels or ubiquitination activity, and a knock-in murine model showed that mice harboring R4810K grew normally with no significant differences from wild type mice and no spontaneous development of moyamoya disease (PMID: 26315378, 21799892); In silico analysis indicates that this missense variant does not alter protein structure/function; Also known as c.14576G>A or R4859K due to alternate nomenclature; This variant is associated with the following publications: (PMID: 23110205, 25547042, 24029639, 26292667, 26530418, 25876583, 27375007, 25964206, 22878964, 25883833, 28414759, 29165161, 30925911, 33356381, 23850618, 22931863, 22377813, 22688066, 23970789, 21048783, 25817623, 26126547, 26590131, 26125557, 26806063, 27253870, 28063898, 28506590, 28617845, 29500468, 28962888, 27365075, 27476341, 31060437, 29718794, 30922903, 30615506, 30562119, 30276334, 30992731, 31293503, 29567577, 31197213, 30947170, 31347299, 31542298, 34013582, 31589614, 35640559, 36657715, 36063804, 38115307, 37768541, 37657303, 36916017, 37554039, 36147931, 37722316, 32434013, 34680863, 34749017, 34624841, 34716882, 35876407, 34335228, 36936868, 36324634, 32212963, 35231114, 34710878, 31908915, 35455046, 32088313, 32814565, 35701560, 35642380, 31818681, 31733606, 31949090, 32073714, 32369273, 32438004, 28931766, 33482763, 33055470, 33175469, 28619492, 32572006, 32686731, 33370357, 37137523, 35861108, 37269436, 21799892, 25278557, 23994138, 26315378, 37012328, 38927660, 27128593)

Center for Genomics, Ann and Robert H. Lurie Children's Hospital of Chicago
Classification: Pathogenic for Moyamoya disease 2. Last evaluated: 2022-07-26. Review status: criteria provided, single submitter. Criteria: ACMG Guidelines, 2015. Collection method: clinical testing. Allele origin: germline.
Comment: RNF213 NM_001256071.2 exon 60 p.Arg4810Lys (c.14429G>A): This variant was first identified as a founder variant common in East Asian patients with Moyamoyma disease (MMD) (Liu 2011 PMID: 21799892, Kamada 2011 PMID: 21048783). It has since been reported in the literature in numerous individuals with MMD in both the heterozygous and homozygous state, segregating with disease in several affected family members (Selected publications: Liu 2011 PMID:21799892, Miyatake 2012 PMID:22377813, Hitomi 2013 PMID:23850618, Cecchi 2014 PMID:25278557, Zhang 2017 PMID: 28063898, Zhang 2019 PMID:31290353). However, multiple unaffected family members have also been reported who carry this variant (Liu 2011 PMID: 21799892, Cecchi 2014 PMID:25278557), and it is present in 0.02% (32/143300) of all alleles in the Genome Aggregation Database. Please note, disease causing variants may be present in control databases at low frequencies, reflective of the general population, carrier status, and/or variable expressivity. Given the prevalence of this variant in unaffected and affected individuals with MMD, the odds ratio of this variant has been estimated to be 112 in East Asian populations (Liu 2011 PMID: 21799892). Functional studies have shown a deleterious effect of this variant, but these studies have not been replicated with in vivo mouse models (Hitomi 2013 PMID:23850618, Kanoke 2015 PMID: 26315378, Kobayashi 2015 PMID:26126547). However, these studies may not accurately represent in vivo biological function in humans. Evolutionary conservation suggests that this variant may not impact the protein, while computational predictive tools for this variant are unclear. This variant is also documented in ClinVar (Variation ID:39700). In summary, this variant is classified as a pathogenic risk allele given extensive published case-control data which suggests the involvement of other genetic and/or environmental factors.

Department of Pathology and Laboratory Medicine, Sinai Health System
Classification: Uncertain significance for Moyamoya disease 2. Last evaluated: 2022-02-23. Review status: criteria provided, single submitter. Criteria: ACMG Guidelines, 2015. Collection method: research. Allele origin: germline.

CeGaT Center for Human Genetics Tuebingen
Classification: Pathogenic. Last evaluated: 2021-04-01. Review status: criteria provided, single submitter. Criteria: CeGaT Center For Human Genetics Tuebingen Variant Classification Criteria Version 2. Collection method: clinical testing. Allele origin: germline. Affected: yes. Observed: 1 variant allele.

Mendelics
Classification: Pathogenic for Moyamoya disease 2. Last evaluated: 2019-05-28. Review status: criteria provided, single submitter. Criteria: Mendelics Assertion Criteria 2017. Collection method: clinical testing. Allele origin: unknown.

Juno Genomics, Hangzhou Juno Genomics, Inc
Classification: Likely pathogenic for Moyamoya disease 2. Review status: criteria provided, single submitter. Criteria: ACMG Guidelines, 2015. Collection method: clinical testing. Allele origin: germline.
Comment: Missense variant in a gene that has a low rate of benign missense variation.;The prevalence of the variant in affected individuals is significantly increased compared to the prevalence in controls.;For recessive disorders, detected in trans with a pathogenic variant.

Department of Internal Medicine, University of Texas Health Science Center at Houston
Classification: Likely pathogenic for Moyamoya disease 2. Last evaluated: 2014-09-08. Review status: no assertion criteria provided. Collection method: research. Allele origin: germline. Affected: yes. Not counted in ClinVar's aggregate classification.

OMIM
Classification: risk factor for MOYAMOYA DISEASE 2, SUSCEPTIBILITY TO. Last evaluated: 2012-12-01. Review status: no assertion criteria provided. Collection method: literature only. Allele origin: germline. Not counted in ClinVar's aggregate classification.

Literature cited by the submitters: PubMed 21048783 (cited by 7 submitters); PubMed 21799892 (cited by 6 submitters); PubMed 22377813 (cited by 4 submitters); PubMed 22931863 (cited by Labcorp Genetics (formerly Invitae), Labcorp and OMIM); PubMed 23110205 (cited by Labcorp Genetics (formerly Invitae), Labcorp); PubMed 26530418 (cited by Labcorp Genetics (formerly Invitae), Labcorp and Ambry Genetics); PubMed 26126547 (cited by Labcorp Genetics (formerly Invitae), Labcorp and Ambry Genetics); PubMed 26662949 (cited by Victorian Clinical Genetics Services, Murdoch Childrens Research Institute); PubMed 26198278 (cited by Victorian Clinical Genetics Services, Murdoch Childrens Research Institute); PubMed 35135845 (cited by Victorian Clinical Genetics Services, Murdoch Childrens Research Institute); PubMed 37399508 (cited by Victorian Clinical Genetics Services, Murdoch Childrens Research Institute); PubMed 35876407 (cited by Victorian Clinical Genetics Services, Murdoch Childrens Research Institute and New York Genome Center); PubMed 35605621 (cited by Victorian Clinical Genetics Services, Murdoch Childrens Research Institute); PubMed 35401401 (cited by Victorian Clinical Genetics Services, Murdoch Childrens Research Institute); PubMed 32573437 (cited by Victorian Clinical Genetics Services, Murdoch Childrens Research Institute); PubMed 23850618 (cited by Mayo Clinic Laboratories, Mayo Clinic and New York Genome Center); PubMed 26315378 (cited by Mayo Clinic Laboratories, Mayo Clinic); PubMed 29752070 (cited by Mayo Clinic Laboratories, Mayo Clinic); PubMed 31949090 (cited by Mayo Clinic Laboratories, Mayo Clinic); PubMed 32390555 (cited by Mayo Clinic Laboratories, Mayo Clinic); PubMed 33055470 (cited by Mayo Clinic Laboratories, Mayo Clinic); PubMed 34710878 (cited by Mayo Clinic Laboratories, Mayo Clinic); PubMed 36115805 (cited by Mayo Clinic Laboratories, Mayo Clinic); PubMed 36324634 (cited by Mayo Clinic Laboratories, Mayo Clinic); PubMed 38243713 (cited by Mayo Clinic Laboratories, Mayo Clinic); PubMed 39958261 (cited by 3billion); PubMed 26590131 (cited by 3billion); PubMed 22688066 (cited by Variantyx, Inc.); PubMed 25278557 (cited by New York Genome Center and Department of Internal Medicine, University of Texas Health Science Center at Houston); PubMed 28063898 (cited by New York Genome Center); PubMed 26806063 (cited by New York Genome Center); PubMed 30947170 (cited by New York Genome Center); PubMed 31290353 (cited by New York Genome Center); PubMed 33175469 (cited by New York Genome Center); PubMed 32073714 (cited by New York Genome Center); PubMed 27515544 (cited by Ambry Genetics and OMIM).